The following is an entry in ClinVar:

NM_198578.4(LRRK2):c.1289-3C>T

Gene: LRRK2 (leucine rich repeat kinase 2; plus strand). Cytogenetic location: 12q12.
Variant type: single nucleotide variant.
Coding change: c.1289-3C>T on transcript NM_198578.4 (MANE Select); 3 bases into the intron before coding-DNA position 1289, C replaced by T.
Molecular consequence: intron variant.
Genome position (GRCh38, 1-based): chr12:40,257,245, C>T. VCF-style: chr12-40257245-C-T. GRCh37 (hg19) VCF-style: chr12-40651047-C-T.
Identifiers: ClinVar variation 2154432 (VCV002154432.4), dbSNP rs762976828, ClinGen allele CA604495730.
Genomic context (GRCh38, chr12:40,257,245, plus strand): 5'-GCTTATGGTAAAATTATGAAAATATGCTTTCATATCTATAAGTAACATTTTAAAAAATCT[C>T]AGTTAATTTCAGAAAAATACTGTTATCAAAAGGAATACACCTGAATGTTTTGGAGTTAAT-3'

ClinVar aggregate classification (germline): Uncertain significance (1 of 4 stars; one submission).

Conditions:
Autosomal dominant Parkinson disease 8. Also called: LRRK2-Related Parkinson Disease; Parkinson disease 8; Parkinson disease 8, susceptibility to. Identifiers: Orphanet 411602, MedGen C1846862, MONDO:0011764, OMIM 607060.

Allele frequency attached by ClinVar (database versions not stated): TOPMed below 0.00001.
gnomAD v4.1: 4 of 1,542,006 alleles (0.00026%); highest among the groups gnomAD compares: Admixed American, 0.0033%; no homozygotes.

Submission:

Labcorp Genetics (formerly Invitae), Labcorp
Classification: Uncertain significance for Autosomal dominant Parkinson disease 8. Last evaluated: 2023-06-29. Review status: criteria provided, single submitter. Criteria: Invitae Variant Classification Sherloc (09022015). Collection method: clinical testing. Allele origin: germline.
Comment: In summary, the available evidence is currently insufficient to determine the role of this variant in disease. Therefore, it has been classified as a Variant of Uncertain Significance. This sequence change falls in intron 11 of the LRRK2 gene. It does not directly change the encoded amino acid sequence of the LRRK2 protein. It affects a nucleotide within the consensus splice site. This variant is present in population databases (no rsID available, gnomAD 0.003%). This variant has not been reported in the literature in individuals affected with LRRK2-related conditions. ClinVar contains an entry for this variant (Variation ID: 2154432). Variants that disrupt the consensus splice site are a relatively common cause of aberrant splicing (PMID: 17576681, 9536098). Algorithms developed to predict the effect of sequence changes on RNA splicing suggest that this variant is not likely to affect RNA splicing.

Literature cited by the submitters: PubMed 17576681; PubMed 9536098.